The following is an entry in ClinVar:

Conditions:
Arteriohepatic dysplasia. Also called: Alagille Syndrome. Identifiers: Orphanet 52, MedGen C0085280, MeSH D016738, MONDO:0007318.

Submission:

Gilbert/Spinner Lab, Children's Hospital of Philadelphia
No classification provided (evidence only). Condition: Alagille syndrome. Review status: no classification provided. Collection method: research. Allele origin: not applicable. Functional consequence: functionally_abnormal.
ClinVar note: "not provided" was previously submitted as the classification for the variant. However, the classification appeared to be based only on an observation of functional data so it was converted to no classification on 2025-07-30.

NM_000214.3(JAG1):c.392C>A (p.Ser131Tyr)

Gene: JAG1 (jagged canonical Notch ligand 1; minus strand). Cytogenetic location: 20p12.2.
Variant type: single nucleotide variant.
Coding change: c.392C>A on transcript NM_000214.3 (MANE Select); coding-DNA position 392, C replaced by A.
Protein change: p.Ser131Tyr; replaces serine 131 with tyrosine.
Molecular consequence: missense variant.
Genome position (GRCh38, 1-based): chr20:10,664,010, G>T on the plus strand (C>A on the coding strand, the complement: JAG1 is on the minus strand). VCF-style: chr20-10664010-G-T. GRCh37 (hg19) VCF-style: chr20-10644658-G-T.
Other names: short protein forms S131Y.
Identifiers: ClinVar variation 3573451 (VCV003573451.2).
Genomic context (GRCh38, chr20:10,664,010, plus strand): 5'-AAGCGATACTTACGAACGGTGTCATTACTGGAATCCCACGCCTCCACAAGCAACGTATAG[G>T]ACCTCTGCAAGACAAACAAACAATTTAGCAATTCAGAAACAGGGTCGACTTTCCAAAATC-3'
Protein context (NP_000205.1, residues 121-141): VLPFSFAWPR[Ser131Tyr]YTLLVEAWDS